The following is an entry in ClinVar:

NM_004230.4(S1PR2):c.641G>C (p.Cys214Ser)

Gene: S1PR2 (sphingosine-1-phosphate receptor 2; minus strand). Cytogenetic location: 19p13.2.
Variant type: single nucleotide variant.
Coding change: c.641G>C on transcript NM_004230.4 (MANE Select); coding-DNA position 641, G replaced by C.
Protein change: p.Cys214Ser; replaces cysteine 214 with serine.
Molecular consequence: missense variant.
Genome position (GRCh38, 1-based): chr19:10,224,265, C>G on the plus strand (G>C on the coding strand, the complement: S1PR2 is on the minus strand). VCF-style: chr19-10224265-C-G. GRCh37 (hg19) VCF-style: chr19-10334941-C-G.
Other names: short protein forms C214S.
Identifiers: ClinVar variation 4527113 (VCV004527113.1).

ClinVar aggregate classification (germline): Uncertain significance (1 of 4 stars; one submission).

gnomAD v4.1: 2 of 1,613,960 alleles (0.00012%); highest among the groups gnomAD compares: Non-Finnish European, 0.00017%; no homozygotes.

Submission:

GeneDx
Classification: Uncertain significance. Last evaluated: 2025-04-22. Review status: criteria provided, single submitter. Criteria: GeneDx Variant Classification Process June 2021. Collection method: clinical testing. Allele origin: germline. Affected: yes.
Comment: Not observed at significant frequency in large population cohorts (gnomAD); In silico analysis indicates that this missense variant does not alter protein structure/function; Has not been previously published as pathogenic or benign to our knowledge